The following is an entry in ClinVar:

NM_014795.4(ZEB2):c.2044G>C (p.Gly682Arg)

Gene: ZEB2 (zinc finger E-box binding homeobox 2; minus strand). Cytogenetic location: 2q22.3.
Variant type: single nucleotide variant.
Coding change: c.2044G>C on transcript NM_014795.4 (MANE Select); coding-DNA position 2044, G replaced by C.
Protein change: p.Gly682Arg; replaces glycine 682 with arginine.
Molecular consequence: missense variant.
Genome position (GRCh38, 1-based): chr2:144,399,143, C>G on the plus strand (G>C on the coding strand, the complement: ZEB2 is on the minus strand). VCF-style: chr2-144399143-C-G. GRCh37 (hg19) VCF-style: chr2-145156710-C-G.
Other names: c.1972G>C, p.Gly658Arg (NM_001171653.2); short protein forms G658R, G682R.
Identifiers: ClinVar variation 857080 (VCV000857080.9), dbSNP rs1703271905, ClinGen allele CA348709165.
Genomic context (GRCh38, chr2:144,399,143, plus strand): 5'-TTGAGTACTGGTAGACTTTTCGTTGTTCAAACCATTCCTTCACAAATTCCTGAGGAAGGC[C>G]CACAGCAATGGAAATTTTCAGCAGTTCATCGGAGTTGGGCTCCATGTTCATAGCATAGTA-3'
Protein context (NP_055610.1, residues 672-692): DELLKISIAV[Gly682Arg]LPQEFVKEWF

ClinVar aggregate classification (germline): Uncertain significance (1 of 4 stars; one submission).

Conditions:
Mowat-Wilson syndrome (MOWS). Also called: Classic Mowat-Wilson Syndrome. Identifiers: Orphanet 2152, MedGen C1856113, MONDO:0009341, OMIM 235730.

Submission:

Labcorp Genetics (formerly Invitae), Labcorp
Classification: Uncertain significance for Mowat-Wilson syndrome. Last evaluated: 2022-07-06. Review status: criteria provided, single submitter. Criteria: Invitae Variant Classification Sherloc (09022015). Collection method: clinical testing. Allele origin: germline.
Comment: In summary, the available evidence is currently insufficient to determine the role of this variant in disease. Therefore, it has been classified as a Variant of Uncertain Significance. This variant is not present in population databases (gnomAD no frequency). Algorithms developed to predict the effect of missense changes on protein structure and function are either unavailable or do not agree on the potential impact of this missense change (SIFT: "Tolerated"; PolyPhen-2: "Probably Damaging"; Align-GVGD: "Class C0"). ClinVar contains an entry for this variant (Variation ID: 857080). This variant has not been reported in the literature in individuals affected with ZEB2-related conditions. This sequence change replaces glycine, which is neutral and non-polar, with arginine, which is basic and polar, at codon 682 of the ZEB2 protein (p.Gly682Arg).